The following is an entry in ClinVar:

NM_000277.3(PAH):c.960G>C (p.Lys320Asn)

Gene: PAH (phenylalanine hydroxylase; minus strand). Cytogenetic location: 12q23.2.
Variant type: single nucleotide variant.
Coding change: c.960G>C on transcript NM_000277.3 (MANE Select); coding-DNA position 960, G replaced by C.
Protein change: p.Lys320Asn; replaces lysine 320 with asparagine.
Molecular consequence: missense variant.
Genome position (GRCh38, 1-based): chr12:102,846,904, C>G on the plus strand (G>C on the coding strand, the complement: PAH is on the minus strand). VCF-style: chr12-102846904-C-G. GRCh37 (hg19) VCF-style: chr12-103240682-C-G.
Other names: c.960G>C, p.Lys320Asn (NM_001354304.2); short protein forms K320N.
Identifiers: ClinVar variation 102910 (VCV000102910.17), dbSNP rs199475615, ClinGen allele CA229871.
Genomic context (GRCh38, chr12:102,846,904, plus strand): 5'-GGCCATAGCCTATAGCACTCCACCATCCACCCAGGGAGAGAAGGGACTTACTGTGGCGAG[C>G]TTTTCAATGTATTCATCAGGTGCACCCAGAGAGGCAAGGCCAATTTCCTGTAATTGGGGG-3'
Protein context (NP_000268.1, residues 310-330): SLGAPDEYIE[Lys320Asn]LATIYWFTVE

ClinVar aggregate classification (germline): Pathogenic. Review status: criteria provided, multiple submitters, no conflicts (2 of 4 stars). 7 submissions from 7 submitters: Pathogenic (5). 2 of the submissions do not count toward it. Last evaluated 2025-11-11.

Conditions:
Phenylketonuria (PKU). Also called: Phenylketonuria (PKU); FOLLING DISEASE; OLIGOPHRENIA PHENYLPYRUVICA; Phenylketonurias. Identifiers: Orphanet 716, MedGen C0031485, MONDO:0009861, OMIM 261600. Disease mechanism: loss of function.

Allele frequency attached by ClinVar (database versions not stated): ExAC 0.00001; gnomAD exomes below 0.00001.
gnomAD v4.1: 4 of 1,613,534 alleles (0.00025%); highest among the groups gnomAD compares: Non-Finnish European, 0.00034%; no homozygotes.

Submissions (7):

GeneDx
Classification: Pathogenic. Last evaluated: 2025-11-11. Review status: criteria provided, single submitter. Criteria: GeneDx Variant Classification Process June 2021. Collection method: clinical testing. Allele origin: germline. Affected: yes.
Comment: In silico analysis supports that this missense variant has a deleterious effect on protein structure/function; Not observed at significant frequency in large population cohorts (gnomAD); This variant is associated with the following publications: (PMID: 8659548, 12174822, 12836060, 18590700, 15303001, 12770680, 19015950, 12655553, 15171997, 12655554, 33101986, 32668217, 38068761, 11678552, 17924342, 23062575, 24350308, 29997390, 35502621)

Labcorp Genetics (formerly Invitae), Labcorp
Classification: Pathogenic for Phenylketonuria. Last evaluated: 2025-10-02. Review status: criteria provided, single submitter. Criteria: Invitae Variant Classification Sherloc (09022015). Collection method: clinical testing. Allele origin: germline.
Comment: This sequence change replaces lysine, which is basic and polar, with asparagine, which is neutral and polar, at codon 320 of the PAH protein (p.Lys320Asn). This variant is not present in population databases (gnomAD no frequency). This missense change has been observed in individual(s) with PAH-related conditions (PMID: 8659548, 11678552, 12655553, 12655554, 23764561, 24350308; internal data). ClinVar contains an entry for this variant (Variation ID: 102910). Invitae Evidence Modeling of protein sequence and biophysical properties (such as structural, functional, and spatial information, amino acid conservation, physicochemical variation, residue mobility, and thermodynamic stability) indicates that this missense variant is not expected to disrupt PAH protein function with a negative predictive value of 80%. For these reasons, this variant has been classified as Pathogenic.

Women's Health and Genetics/Laboratory Corporation of America, LabCorp
Classification: Pathogenic for Phenylketonuria. Last evaluated: 2024-10-25. Review status: criteria provided, single submitter. Criteria: LabCorp Variant Classification Summary - May 2015. Collection method: clinical testing. Allele origin: germline.
Comment: Variant summary: PAH c.960G>C (p.Lys320Asn) results in a non-conservative amino acid change located in the Aromatic amino acid hydroxylase, C-terminal domain (IPR019774) of the encoded protein sequence. Five of five in-silico tools predict a damaging effect of the variant on protein function. The variant was absent in 251278 control chromosomes. c.960G>C has been reported in the literature in multiple compound heterozygous individuals affected with Phenylalanine Hydroxylase Deficiency (Phenylketonuria) (Guldberg_1996, Hillert_2020, Kreile_2020). These data indicate that the variant is very likely to be associated with disease. To our knowledge, no experimental evidence demonstrating an impact on protein function has been reported. The following publications have been ascertained in the context of this evaluation (PMID: 8659548, 32668217, 33101986). ClinVar contains an entry for this variant (Variation ID: 102910). Based on the evidence outlined above, the variant was classified as pathogenic.

Baylor Genetics
Classification: Pathogenic for Phenylketonuria. Last evaluated: 2023-12-05. Review status: criteria provided, single submitter. Criteria: ACMG Guidelines, 2015. Collection method: clinical testing. Allele origin: unknown.

Centre of Medical Genetics, University Hospital Muenster
Classification: Pathogenic for Phenylketonuria. Last evaluated: 2022-03-31. Review status: criteria provided, single submitter. Criteria: ACMG Guidelines, 2015. Collection method: clinical testing. Allele origin: germline. Affected: yes. Observed: 1 variant allele, 1 heterozygote.
Comment: ACMG categories: PS5,PM3,PM7,PP1,PP3,PP5

Counsyl
Classification: Likely pathogenic for Phenylketonuria. Last evaluated: 2017-10-09. Review status: no assertion criteria provided. Collection method: clinical testing. Allele origin: unknown. Not counted in ClinVar's aggregate classification.

DeBelle Laboratory for Biochemical Genetics, MUHC/MCH RESEARCH INSTITUTE
No classification provided. Review status: no classification provided. Collection method: not provided. Allele origin: not provided. Not counted in ClinVar's aggregate classification.

Literature cited by the submitters: PubMed 8659548 (cited by 3 submitters); PubMed 11678552 (cited by Labcorp Genetics (formerly Invitae), Labcorp and Counsyl); PubMed 12655553 (cited by Labcorp Genetics (formerly Invitae), Labcorp and Counsyl); PubMed 12655554 (cited by Labcorp Genetics (formerly Invitae), Labcorp and Counsyl); PubMed 23764561 (cited by Labcorp Genetics (formerly Invitae), Labcorp and Counsyl); PubMed 24350308 (cited by Labcorp Genetics (formerly Invitae), Labcorp and Counsyl); PubMed 32668217 (cited by Women's Health and Genetics/Laboratory Corporation of America, LabCorp); PubMed 33101986 (cited by Women's Health and Genetics/Laboratory Corporation of America, LabCorp); PubMed 17924342 (cited by Counsyl); PubMed 18590700 (cited by Counsyl); PubMed 23062575 (cited by Counsyl).